The following is an entry in ClinVar:

NM_001105206.3(LAMA4):c.1132A>G (p.Ile378Val)

Gene: LAMA4 (laminin subunit alpha 4; minus strand). Cytogenetic location: 6q21.
Variant type: single nucleotide variant.
Coding change: c.1132A>G on transcript NM_001105206.3 (MANE Select); coding-DNA position 1132, A replaced by G.
Protein change: p.Ile378Val; replaces isoleucine 378 with valine.
Molecular consequence: missense variant.
Genome position (GRCh38, 1-based): chr6:112,178,178, T>C on the plus strand (A>G on the coding strand, the complement: LAMA4 is on the minus strand). VCF-style: chr6-112178178-T-C. GRCh37 (hg19) VCF-style: chr6-112499380-T-C.
Other names: c.1111A>G, p.Ile371Val (NM_001105207.3, NM_002290.5); short protein forms I371V, I378V.
Identifiers: ClinVar variation 4096222 (VCV004096222.1).
Genomic context (GRCh38, chr6:112,178,178, plus strand): 5'-TACCTTGGATTTTATCCCTCATATCATGGGCTTGCTCTACCAGCTGACTTGCGTGGTTAA[T>C]GGTGTCCATGCTTTCCTTCTGAACAAGTTGTCCTTTTCTGGAGGCTTGATTTTCCTACAA-3'
Protein context (NP_001098676.2, residues 368-388): QLVQKESMDT[Ile378Val]NHASQLVEQA

ClinVar aggregate classification (germline): Uncertain significance (1 of 4 stars; one submission).

Conditions:
Cardiovascular phenotype. Identifiers: MedGen CN230736.

Submission:

Ambry Genetics
Classification: Uncertain significance for Cardiovascular phenotype. Last evaluated: 2025-09-07. Review status: criteria provided, single submitter. Criteria: Ambry Variant Classification Scheme 2023. Collection method: clinical testing. Allele origin: germline.
Comment: The p.I371V variant (also known as c.1111A>G), located in coding exon 9 of the LAMA4 gene, results from an A to G substitution at nucleotide position 1111. The isoleucine at codon 371 is replaced by valine, an amino acid with highly similar properties. This amino acid position is conserved. In addition, this alteration is predicted to be tolerated by in silico analysis. Based on the available evidence, the clinical significance of this variant remains unclear.